The following is an entry in ClinVar:

NM_001127222.2(CACNA1A):c.3590A>C (p.Lys1197Thr)

Gene: CACNA1A (calcium voltage-gated channel subunit alpha1 A; minus strand). Cytogenetic location: 19p13.13.
Variant type: single nucleotide variant.
Coding change: c.3590A>C on transcript NM_001127222.2 (MANE Select); coding-DNA position 3590, A replaced by C.
Protein change: p.Lys1197Thr; replaces lysine 1197 with threonine.
Molecular consequence: missense variant.
Genome position (GRCh38, 1-based): chr19:13,285,170, T>G on the plus strand (A>C on the coding strand, the complement: CACNA1A is on the minus strand). VCF-style: chr19-13285170-T-G. GRCh37 (hg19) VCF-style: chr19-13395984-T-G.
Other names: c.3602A>C, p.Lys1201Thr (NM_000068.4, NM_023035.3); c.3593A>C, p.Lys1198Thr (NM_001127221.2, NM_001174080.2); short protein forms K1197T, K1198T, K1201T.
Identifiers: ClinVar variation 1712548 (VCV001712548.2), dbSNP rs878991856, ClinGen allele CA404341050.

ClinVar aggregate classification (germline): Uncertain significance (1 of 4 stars; one submission).

Submission:

GeneDx
Classification: Uncertain significance. Last evaluated: 2022-04-26. Review status: criteria provided, single submitter. Criteria: GeneDx Variant Classification Process June 2021. Collection method: clinical testing. Allele origin: germline. Affected: yes.
Comment: Not observed at significant frequency in large population cohorts (gnomAD); In silico analysis supports that this missense variant has a deleterious effect on protein structure/function; Has not been previously published as pathogenic or benign to our knowledge